The following is an entry in ClinVar:

NM_182914.3(SYNE2):c.10910A>C (p.Asn3637Thr)

Gene: SYNE2 (spectrin repeat containing nuclear envelope protein 2; plus strand). Cytogenetic location: 14q23.2.
Variant type: single nucleotide variant.
Coding change: c.10910A>C on transcript NM_182914.3 (MANE Select); coding-DNA position 10910, A replaced by C.
Protein change: p.Asn3637Thr; replaces asparagine 3637 with threonine.
Molecular consequence: missense variant.
Genome position (GRCh38, 1-based): chr14:64,075,988, A>C. VCF-style: chr14-64075988-A-C. GRCh37 (hg19) VCF-style: chr14-64542706-A-C.
Other names: c.10910A>C, p.Asn3637Thr (NM_015180.6); short protein forms N3637T.
Identifiers: ClinVar variation 3697307 (VCV003697307.2).

ClinVar aggregate classification (germline): Uncertain significance (1 of 4 stars; one submission).

Conditions:
Emery-Dreifuss muscular dystrophy 5, autosomal dominant (EDMD5). Also called: EMERY-DREIFUSS MUSCULAR DYSTROPHY 5. Identifiers: Orphanet 261, MedGen C2751805, MONDO:0013072, OMIM 612999.

Submission:

Labcorp Genetics (formerly Invitae), Labcorp
Classification: Uncertain significance for Emery-Dreifuss muscular dystrophy 5, autosomal dominant. Last evaluated: 2024-12-09. Review status: criteria provided, single submitter. Criteria: Invitae Variant Classification Sherloc (09022015). Collection method: clinical testing. Allele origin: germline.
Comment: This sequence change replaces asparagine, which is neutral and polar, with threonine, which is neutral and polar, at codon 3637 of the SYNE2 protein (p.Asn3637Thr). This variant is not present in population databases (gnomAD no frequency). This variant has not been reported in the literature in individuals affected with SYNE2-related conditions. An algorithm developed to predict the effect of missense changes on protein structure and function (PolyPhen-2) suggests that this variant is likely to be tolerated. In summary, the available evidence is currently insufficient to determine the role of this variant in disease. Therefore, it has been classified as a Variant of Uncertain Significance.